The following is an entry in ClinVar:

NM_004385.5(VCAN):c.200C>G (p.Ser67Cys)

Gene: VCAN (versican; plus strand). Cytogenetic location: 5q14.2.
Variant type: single nucleotide variant.
Coding change: c.200C>G on transcript NM_004385.5 (MANE Select); coding-DNA position 200, C replaced by G.
Protein change: p.Ser67Cys; replaces serine 67 with cysteine.
Molecular consequence: missense variant.
Genome position (GRCh38, 1-based): chr5:83,490,227, C>G. VCF-style: chr5-83490227-C-G. GRCh37 (hg19) VCF-style: chr5-82786046-C-G.
Other names: c.200C>G, p.Ser67Cys (NM_001126336.3, NM_001164097.2, NM_001164098.2); short protein forms S67C.
Identifiers: ClinVar variation 3679339 (VCV003679339.2).
Genomic context (GRCh38, chr5:83,490,227, plus strand): 5'-CAACGATGCCTACTTTGCCACCCAGTTACAACACCAGTGAATTTCTCCGCATCAAATGGT[C>G]TAAGATTGAAGTGGACAAAAATGGAAAAGATTTGAAAGAGACTACTGTCCTTGTGGCCCA-3'
Protein context (NP_004376.2, residues 57-77): NTSEFLRIKW[Ser67Cys]KIEVDKNGKD

ClinVar aggregate classification (germline): Uncertain significance (1 of 4 stars; one submission).

gnomAD v4.1: 18 of 1,614,104 alleles (0.0011%); highest among the groups gnomAD compares: Non-Finnish European, 0.0015%; no homozygotes.

Submission:

Labcorp Genetics (formerly Invitae), Labcorp
Classification: Uncertain significance. Last evaluated: 2024-05-20. Review status: criteria provided, single submitter. Criteria: Invitae Variant Classification Sherloc (09022015). Collection method: clinical testing. Allele origin: germline.
Comment: This sequence change replaces serine, which is neutral and polar, with cysteine, which is neutral and slightly polar, at codon 67 of the VCAN protein (p.Ser67Cys). This variant is present in population databases (no rsID available, gnomAD 0.002%). This variant has not been reported in the literature in individuals affected with VCAN-related conditions. An algorithm developed to predict the effect of missense changes on protein structure and function (PolyPhen-2) suggests that this variant is likely to be disruptive. In summary, the available evidence is currently insufficient to determine the role of this variant in disease. Therefore, it has been classified as a Variant of Uncertain Significance.